The following is an entry in ClinVar:

NM_025179.4(PLXNA2):c.5322G>A (p.Val1774=)

Gene: PLXNA2 (plexin A2; minus strand). Cytogenetic location: 1q32.2.
Variant type: single nucleotide variant.
Coding change: c.5322G>A on transcript NM_025179.4 (MANE Select); coding-DNA position 5322, G replaced by A.
Protein change: p.Val1774=; no amino-acid change (valine 1774 retained).
Molecular consequence: synonymous variant.
Genome position (GRCh38, 1-based): chr1:208,028,946, C>T on the plus strand (G>A on the coding strand, the complement: PLXNA2 is on the minus strand). VCF-style: chr1-208028946-C-T. GRCh37 (hg19) VCF-style: chr1-208202291-C-T.
Identifiers: ClinVar variation 4985213 (VCV004985213.1).
Genomic context (GRCh38, chr1:208,028,946, plus strand): 5'-GGGGGAGTCCTTGCCCAGCCGGTGCTCTGACGTTGAACAAGAGTCCATGAAGGTCTGGGC[C>T]ACCACAGAGAGGCAGGCGTCCGTGATGCTGCCCTTGTGGATGTCAAACACGAACTGGGGG-3'
Protein context (NP_079455.3, residues 1764-1784): GSITDACLSV[Val1774=]AQTFMDSCST

ClinVar aggregate classification (germline): Likely benign (1 of 4 stars; one submission).

Conditions:
PLXNA2-related disorder. Also called: PLXNA2-related condition.

Submission:

PreventionGenetics, part of Exact Sciences
Classification: Likely benign for PLXNA2-related condition. Last evaluated: 2026-07-30. Review status: criteria provided, single submitter. Criteria: ACMG Guidelines, 2015. Collection method: clinical testing. Allele origin: germline.
Comment: This variant is classified as likely benign based on ACMG/AMP sequence variant interpretation guidelines (Richards et al. 2015 PMID: 25741868, with internal and published modifications).